The following is an entry in ClinVar:

ClinVar aggregate classification (germline): Likely benign. Review status: criteria provided, multiple submitters, no conflicts (2 of 4 stars). 2 submissions from 2 submitters: Likely benign (2). Last evaluated 2025-09-02.

Conditions:
BAP1-related tumor predisposition syndrome (TPDS1). Also called: COMMON Syndrome; TUMOR PREDISPOSITION SYNDROME 1; BAP1 tumor predisposition syndrome; Tumor susceptibility linked to germline BAP1 mutations. Identifiers: Orphanet 289539, MedGen C3280492, MONDO:0013692, OMIM 614327.

Allele frequency attached by ClinVar (database versions not stated): ExAC 0.00001; TOPMed 0.00004; gnomAD 0.00005.

Submissions (2):

Labcorp Genetics (formerly Invitae), Labcorp
Classification: Likely benign for BAP1-related tumor predisposition syndrome. Last evaluated: 2025-09-02. Review status: criteria provided, single submitter. Criteria: Invitae Variant Classification Sherloc (09022015). Collection method: clinical testing. Allele origin: germline.

Myriad Genetics, Inc.
Classification: Likely benign for BAP1-related tumor predisposition syndrome. Last evaluated: 2024-07-11. Review status: criteria provided, single submitter. Criteria: Myriad Autosomal Dominant, Autosomal Recessive and X-Linked Classification Criteria (2023). Collection method: clinical testing. Allele origin: unknown.
Comment: This variant is considered likely benign. This variant is intronic and is not expected to impact mRNA splicing.

NM_004656.4(BAP1):c.68-10C>T

Gene: BAP1 (BRCA1 associated deubiquitinase 1; minus strand). Cytogenetic location: 3p21.1.
Variant type: single nucleotide variant.
Coding change: c.68-10C>T on transcript NM_004656.4 (MANE Select); 10 bases into the intron before coding-DNA position 68, C replaced by T.
Molecular consequence: intron variant.
Genome position (GRCh38, 1-based): chr3:52,409,618, G>A on the plus strand (C>T on the coding strand, the complement: BAP1 is on the minus strand). VCF-style: chr3-52409618-G-A. GRCh37 (hg19) VCF-style: chr3-52443634-G-A.
Identifiers: ClinVar variation 2142395 (VCV002142395.5), dbSNP rs765072556, ClinGen allele CA2437193.